The following is an entry in ClinVar:

ClinVar aggregate classification (germline): Benign (1 of 4 stars; one submission).

Conditions:
Oroticaciduria. Also called: Orotic aciduria. Identifiers: Orphanet 30, MedGen C0268128, HP:0003218.

Allele frequency attached by ClinVar (database versions not stated): 1000 Genomes Project 30x 0.00047; gnomAD 0.00204 and 0.00193; TOPMed 0.00217; 1000 Genomes Project 0.00040; ExAC 0.00093; gnomAD exomes 0.00184 and 0.00192.
gnomAD v4.1: 880 of 454,086 alleles (0.19%); highest among the groups gnomAD compares: Non-Finnish European, 0.29%; 1 homozygote.

Submission:

Illumina Laboratory Services, Illumina
Classification: Benign for Hereditary orotic aciduria. Last evaluated: 2018-01-13. Review status: criteria provided, single submitter. Criteria: ICSL Variant Classification Criteria 13 December 2019. Collection method: clinical testing. Allele origin: germline.
Comment: This variant was observed in the ICSL laboratory as part of a predisposition screen in an ostensibly healthy population. It had not been previously curated by ICSL or reported in the Human Gene Mutation Database (HGMD: prior to June 1st, 2018), and was therefore a candidate for classification through an automated scoring system. Utilizing variant allele frequency, disease prevalence and penetrance estimates, and inheritance mode, an automated score was calculated to assess if this variant is too frequent to cause the disease. Based on the score and internal cut-off values, a variant classified as benign is not then subjected to further curation. The score for this variant resulted in a classification of benign for this disease.

NM_000373.4(UMPS):c.*1088T>G

Gene: UMPS (uridine monophosphate synthetase; plus strand). Cytogenetic location: 3q21.2.
Variant type: single nucleotide variant.
Coding change: c.*1088T>G on transcript NM_000373.4 (MANE Select); 1088 bases downstream of the stop codon, T replaced by G.
Molecular consequence: 3 prime UTR variant. On other transcripts: non-coding transcript variant (2).
Genome position (GRCh38, 1-based): chr3:124,745,172, T>G. VCF-style: chr3-124745172-T-G. GRCh37 (hg19) VCF-style: chr3-124464019-T-G.
Identifiers: ClinVar variation 342950 (VCV000342950.5), dbSNP rs535422876, ClinGen allele CA2581965.
Genomic context (GRCh38, chr3:124,745,172, plus strand): 5'-GGATCCCACATAATTGTCCCAACGGTCATTAGTAGAGGGGAGGTAAGCCTTCATTAATAA[T>G]AAAGAGAAAGCCCACATTCAAGGTGGTGTTTGAGCAGGGGCAGGGTGAGGGCTGTCCCGG-3'